The following is an entry in ClinVar:

ClinVar aggregate classification (germline): Uncertain significance. Review status: criteria provided, multiple submitters, no conflicts (2 of 4 stars). 2 submissions from 2 submitters: Uncertain significance (2). Last evaluated 2014-03-14.

Allele frequency attached by ClinVar (database versions not stated): gnomAD exomes 0.00005 and 0.00007; ExAC 0.00006; gnomAD 0.00006 and 0.00007; TOPMed 0.00008; ESP Exome Variant Server 0.00015.
gnomAD v4.1: 116 of 1,613,020 alleles (0.0072%); highest among the groups gnomAD compares: Non-Finnish European, 0.0094%; no homozygotes.

Submissions (2):

Laboratory for Molecular Medicine, Mass General Brigham Personalized Medicine
Classification: Uncertain significance. Last evaluated: 2014-03-14. Review status: criteria provided, single submitter. Criteria: LMM Criteria. Collection method: clinical testing. Allele origin: germline. Observed: 1 variant allele.
Comment: The His4765Gln variant in TTN has not been previously reported in individuals wi th cardiomyopathy, but has been identified in 2/8594 European American chromosom es by the NHLBI Exome Sequencing Project and in 1/1320 of European chromosomes by the ClinSeq Project (dbSNP rs140366460). C omputational prediction tools and conservation analysis are limited or unavailab le for this variant. Additional information is needed to fully assess the clinic al significance of this variant.

Biesecker Lab/Clinical Genomics Section, National Institutes of Health
Classification: Uncertain significance. Last evaluated: 2013-06-24. Review status: criteria provided, single submitter. Criteria: Ng et al. (Circ Cardiovasc Genet. 2013). Collection method: research. Allele origin: unknown. Observed: 1 variant allele. Study: ClinSeq.
Comment: The study set was not selected for affection status in relation to any cancer. Pathogenicity categories were based on literature curation. See Pubmed ID:23861362 for details.

Medical sequencing

NM_133379.5(TTN):c.14295T>G (p.His4765Gln)

Genes: TTN (titin; minus strand), LOC126806432 (CDK7 strongly-dependent group 2 enhancer GRCh37_chr2:179611985-179613184; plus strand). Cytogenetic location: 2q31.2.
Variant type: single nucleotide variant.
Coding change: c.14295T>G on transcript NM_133379.5; coding-DNA position 14295, T replaced by G.
Protein change: p.His4765Gln; replaces histidine 4765 with glutamine.
Molecular consequence: missense variant. On other transcripts: intron variant (6).
Genome position (GRCh38, 1-based): chr2:178,748,105, A>C on the plus strand (T>G on the coding strand, the complement: TTN is on the minus strand). VCF-style: chr2-178748105-A-C. GRCh37 (hg19) VCF-style: chr2-179612832-A-C.
Other names: c.10360+5019T>G (NM_133378.4, NM_001256850.1); c.10222+5019T>G (NM_003319.4); c.10798+5019T>G (NM_133437.4); c.10597+5019T>G (NM_133432.3); c.11311+5019T>G (NM_001267550.2); short protein forms H4765Q.
Identifiers: ClinVar variation 166260 (VCV000166260.5), dbSNP rs140366460, ClinGen allele CA179100.